The following is an entry in ClinVar:

NM_019066.5(MAGEL2):c.500C>T (p.Thr167Ile)

Gene: MAGEL2 (MAGE family member L2; minus strand). Cytogenetic location: 15q11.2.
Variant type: single nucleotide variant.
Coding change: c.500C>T on transcript NM_019066.5 (MANE Select); coding-DNA position 500, C replaced by T.
Protein change: p.Thr167Ile; replaces threonine 167 with isoleucine.
Molecular consequence: missense variant.
Genome position (GRCh38, 1-based): chr15:23,647,243, G>A on the plus strand (C>T on the coding strand, the complement: MAGEL2 is on the minus strand). VCF-style: chr15-23647243-G-A. GRCh37 (hg19) VCF-style: chr15-23892390-G-A.
Other names: c.500C>T (NM_019066.4); short protein forms T167I.
Identifiers: ClinVar variation 1957920 (VCV001957920.8), dbSNP rs1242126221, ClinGen allele CA391337098.

ClinVar aggregate classification (germline): Uncertain significance. Review status: criteria provided, multiple submitters, no conflicts (2 of 4 stars). 2 submissions from 2 submitters: Uncertain significance (2). Last evaluated 2026-06-17.

Conditions:
MAGEL2-related disorder. Also called: MAGEL2-related condition.

Allele frequency attached by ClinVar (database versions not stated): gnomAD 0.00002.
gnomAD v4.1: 24 of 1,526,760 alleles (0.0016%); highest among the groups gnomAD compares: Non-Finnish European, 0.0021%; no homozygotes.

Submissions (2):

PreventionGenetics, part of Exact Sciences
Classification: Uncertain significance for MAGEL2-related condition. Last evaluated: 2026-06-17. Review status: criteria provided, single submitter. Criteria: ACMG Guidelines, 2015. Collection method: clinical testing. Allele origin: germline.
Comment: The MAGEL2 c.500C>T variant is predicted to result in the amino acid substitution p.Thr167Ile. To our knowledge, this variant has not been reported in the literature. This variant is reported in 0.0057% of alleles in individuals of European (Non-Finnish) descent in gnomAD. At this time, the clinical significance of this variant is uncertain due to the absence of conclusive functional and genetic evidence.

Labcorp Genetics (formerly Invitae), Labcorp
Classification: Uncertain significance. Last evaluated: 2022-07-06. Review status: criteria provided, single submitter. Criteria: Invitae Variant Classification Sherloc (09022015). Collection method: clinical testing. Allele origin: germline.
Comment: In summary, the available evidence is currently insufficient to determine the role of this variant in disease. Therefore, it has been classified as a Variant of Uncertain Significance. Experimental studies and prediction algorithms are not available or were not evaluated, and the functional significance of this variant is currently unknown. This variant has not been reported in the literature in individuals affected with MAGEL2-related conditions. This variant is present in population databases (no rsID available, gnomAD 0.006%). This sequence change replaces threonine, which is neutral and polar, with isoleucine, which is neutral and non-polar, at codon 167 of the MAGEL2 protein (p.Thr167Ile).